The following is an entry in ClinVar:

ClinVar aggregate classification (germline): Uncertain significance. Review status: criteria provided, multiple submitters, no conflicts (2 of 4 stars). 2 submissions from 2 submitters: Uncertain significance (2). Last evaluated 2024-01-17.

Conditions:
Inborn genetic diseases. Identifiers: MedGen C0950123, MeSH D030342.

Submissions (2):

Labcorp Genetics (formerly Invitae), Labcorp
Classification: Uncertain significance. Last evaluated: 2024-01-17. Review status: criteria provided, single submitter. Criteria: Invitae Variant Classification Sherloc (09022015). Collection method: clinical testing. Allele origin: germline.
Comment: This sequence change replaces lysine, which is basic and polar, with arginine, which is basic and polar, at codon 306 of the GABRA2 protein (p.Lys306Arg). This variant is not present in population databases (gnomAD no frequency). This variant has not been reported in the literature in individuals affected with GABRA2-related conditions. ClinVar contains an entry for this variant (Variation ID: 2300898). An algorithm developed to predict the effect of missense changes on protein structure and function (PolyPhen-2) suggests that this variant is likely to be disruptive. In summary, the available evidence is currently insufficient to determine the role of this variant in disease. Therefore, it has been classified as a Variant of Uncertain Significance.

Ambry Genetics
Classification: Uncertain significance for Inborn genetic diseases. Last evaluated: 2022-07-12. Review status: criteria provided, single submitter. Criteria: Ambry Variant Classification Scheme 2023. Collection method: clinical testing. Allele origin: germline.

NM_000807.4(GABRA2):c.917A>G (p.Lys306Arg)

Gene: GABRA2 (gamma-aminobutyric acid type A receptor subunit alpha2; minus strand). Cytogenetic location: 4p12.
Variant type: single nucleotide variant.
Coding change: c.917A>G on transcript NM_000807.4 (MANE Select); coding-DNA position 917, A replaced by G.
Protein change: p.Lys306Arg; replaces lysine 306 with arginine.
Molecular consequence: missense variant.
Genome position (GRCh38, 1-based): chr4:46,262,068, T>C on the plus strand (A>G on the coding strand, the complement: GABRA2 is on the minus strand). VCF-style: chr4-46262068-T-C. GRCh37 (hg19) VCF-style: chr4-46264085-T-C.
Other names: c.917A>G, p.Lys306Arg (NM_001114175.3, NM_001330690.2, NM_001377144.1 and 8 more transcripts); c.752A>G, p.Lys251Arg (NM_001286827.3, NM_001377152.1, NM_001377153.1 and 1 more transcripts); short protein forms K306R, K251R.
Identifiers: ClinVar variation 2300898 (VCV002300898.5), dbSNP rs886957366, ClinGen allele CA97079511.
Genomic context (GRCh38, chr4:46,262,068, plus strand): 5'-GAGAACACAAATGCATAACAAACAGCAATAAACCAGTCCATGGCAGTTGCATAAGCCACT[T>C]TGGGGAGAGAATTCCGAGCACTGATGCTTAGAGTTGTCATTGTTAGGACAGTTGTTACTC-3'
Protein context (NP_000798.2, residues 296-316): LSISARNSLP[Lys306Arg]VAYATAMDWF